The following is an entry in ClinVar:

NM_014141.6(CNTNAP2):c.19G>T (p.Ala7Ser)

Gene: CNTNAP2 (contactin associated protein 2; plus strand). Cytogenetic location: 7q35.
Variant type: single nucleotide variant.
Coding change: c.19G>T on transcript NM_014141.6 (MANE Select); coding-DNA position 19, G replaced by T.
Protein change: p.Ala7Ser; replaces alanine 7 with serine.
Molecular consequence: missense variant.
Genome position (GRCh38, 1-based): chr7:146,116,895, G>T. VCF-style: chr7-146116895-G-T. GRCh37 (hg19) VCF-style: chr7-145813987-G-T.
Other names: short protein forms A7S.
Identifiers: ClinVar variation 421525 (VCV000421525.2), dbSNP rs1064795189, ClinGen allele CA16618368.
Genomic context (GRCh38, chr7:146,116,895, plus strand): 5'-CCGCAGCGAGCTCTTGGAGCGCCGCCGGCCGGGAGGCGAAGGATGCAGGCGGCTCCGCGC[G>T]CCGGCTGCGGGGCAGCGCTCCTGCTGTGGATTGTCAGCAGCTGCCTCTGCAGAGCCTGGA-3'
Protein context (NP_054860.1, residues 1-17): MQAAPR[Ala7Ser]GCGAALLLWI

ClinVar aggregate classification (germline): Uncertain significance (1 of 4 stars; one submission).

gnomAD v4.1: 1 of 1,545,952 alleles (0.000065%); highest among the groups gnomAD compares: African/African-American, 0.0014%; no homozygotes.

Submission:

GeneDx
Classification: Uncertain significance. Last evaluated: 2016-07-06. Review status: criteria provided, single submitter. Criteria: GeneDx Variant Classification (06012015). Collection method: clinical testing. Allele origin: germline. Affected: yes.
Comment: A variant of uncertain significance has been identified in the CNTNAP2 gene. The A7S variant has not been published as a pathogenic variant, nor has it been reported as a benign variant to our knowledge. Although the A7S variant was not observed in approximately 5,500 individuals of European and African American ancestry in the NHLBI Exome Sequencing Project, the data was noted to have reduced depth of sequencing reads and therefore may be unreliable. The A7S variant is a non-conservative amino acid substitution, which is likely to impact secondary protein structure as these residues differ in polarity, charge, size and/or other properties. However, this substitution occurs at a position that is not conserved, and in silico analysis predicts this variant likely does not alter the protein structure/function. Therefore, based on the currently available information, it is unclear whether this variant is a pathogenic variant or a rare benign variant.